The following is an entry in ClinVar:

NM_198578.4(LRRK2):c.5958C>G (p.His1986Gln)

Gene: LRRK2 (leucine rich repeat kinase 2; plus strand). Cytogenetic location: 12q12.
Variant type: single nucleotide variant.
Coding change: c.5958C>G on transcript NM_198578.4 (MANE Select); coding-DNA position 5958, C replaced by G.
Protein change: p.His1986Gln; replaces histidine 1986 with glutamine.
Molecular consequence: missense variant.
Genome position (GRCh38, 1-based): chr12:40,340,303, C>G. VCF-style: chr12-40340303-C-G. GRCh37 (hg19) VCF-style: chr12-40734105-C-G.
Other names: short protein forms H1986Q.
Identifiers: ClinVar variation 1750704 (VCV001750704.2), dbSNP rs2499947723, ClinGen allele CA384403504.
Genomic context (GRCh38, chr12:40,340,303, plus strand): 5'-TATTATAATGTAATCACATTTGAATAAGATTTCCTGTGCATTTTCTGGCAGATACCTCCA[C>G]TCAGCCATGATTATATACCGAGACCTGAAACCCCACAATGTGCTGCTTTTCACACTGTAT-3'
Protein context (NP_940980.4, residues 1976-1996): LHVADGLRYL[His1986Gln]SAMIIYRDLK

ClinVar aggregate classification (germline): Uncertain significance (1 of 4 stars; one submission).

Conditions:
Inborn genetic diseases. Identifiers: MedGen C0950123, MeSH D030342.

Allele frequency attached by ClinVar (database versions not stated): gnomAD exomes below 0.00001.
gnomAD v4.1: 1 of 1,613,670 alleles (0.000062%); highest among the groups gnomAD compares: Non-Finnish European, 0.000085%; no homozygotes.

Submission:

Ambry Genetics
Classification: Uncertain significance for Inborn genetic diseases. Last evaluated: 2022-05-25. Review status: criteria provided, single submitter. Criteria: Ambry Variant Classification Scheme 2023. Collection method: clinical testing. Allele origin: germline.
Comment: The p.H1986Q variant (also known as c.5958C>G), located in coding exon 41 of the LRRK2 gene, results from a C to G substitution at nucleotide position 5958. The histidine at codon 1986 is replaced by glutamine, an amino acid with highly similar properties. This amino acid position is conserved. In addition, this alteration is predicted to be deleterious by in silico analysis. Since supporting evidence is limited at this time, the clinical significance of this alteration remains unclear.